The following is an entry in ClinVar:

NM_022168.4(IFIH1):c.2006T>G (p.Leu669Arg)

Gene: IFIH1 (interferon induced with helicase C domain 1; minus strand). Cytogenetic location: 2q24.2.
Variant type: single nucleotide variant.
Coding change: c.2006T>G on transcript NM_022168.4 (MANE Select); coding-DNA position 2006, T replaced by G.
Protein change: p.Leu669Arg; replaces leucine 669 with arginine.
Molecular consequence: missense variant.
Genome position (GRCh38, 1-based): chr2:162,277,453, A>C on the plus strand (T>G on the coding strand, the complement: IFIH1 is on the minus strand). VCF-style: chr2-162277453-A-C. GRCh37 (hg19) VCF-style: chr2-163133963-A-C.
Other names: short protein forms L669R.
Identifiers: ClinVar variation 2950029 (VCV002950029.3), dbSNP rs2468959114, ClinGen allele CA348998457.

ClinVar aggregate classification (germline): Uncertain significance (1 of 4 stars; one submission).

Conditions:
Aicardi-Goutieres syndrome 7 (AGS7). Identifiers: Orphanet 51, MedGen C3888244, MONDO:0014367, OMIM 615846.
Singleton-Merten syndrome 1 (SGMRT1). Also called: Widened medullary cavities of bone, aortic calcification, abnormal dentition, and muscular weakness; Syndrome of widened medullary cavities of the metacarpals and phalanges, aortic calcification and abnormal dentition. Identifiers: Orphanet 85191, MedGen C4225427, MONDO:0024535, OMIM 182250.

Submission:

Labcorp Genetics (formerly Invitae), Labcorp
Classification: Uncertain significance for Aicardi-Goutieres syndrome 7; Singleton-Merten syndrome 1. Last evaluated: 2023-07-18. Review status: criteria provided, single submitter. Criteria: Invitae Variant Classification Sherloc (09022015). Collection method: clinical testing. Allele origin: germline.
Comment: This sequence change replaces leucine, which is neutral and non-polar, with arginine, which is basic and polar, at codon 669 of the IFIH1 protein (p.Leu669Arg). In summary, the available evidence is currently insufficient to determine the role of this variant in disease. Therefore, it has been classified as a Variant of Uncertain Significance. Advanced modeling of protein sequence and biophysical properties (such as structural, functional, and spatial information, amino acid conservation, physicochemical variation, residue mobility, and thermodynamic stability) has been performed at Invitae for this missense variant, however the output from this modeling did not meet the statistical confidence thresholds required to predict the impact of this variant on IFIH1 protein function. This variant has not been reported in the literature in individuals affected with IFIH1-related conditions. This variant is not present in population databases (gnomAD no frequency).